The following is an entry in ClinVar:

ClinVar aggregate classification (germline): Uncertain significance (1 of 4 stars; one submission).

Submission:

GeneDx
Classification: Uncertain significance. Last evaluated: 2019-04-05. Review status: criteria provided, single submitter. Criteria: GeneDx Variant Classification Process June 2021. Collection method: clinical testing. Allele origin: germline. Affected: yes.
Comment: Not observed in large population cohorts (Lek et al., 2016); In-frame deletion of 1 amino acid in a non-repeat region; In silico analysis, which includes protein predictors and evolutionary conservation, supports a deleterious effect; Has not been previously published as pathogenic or benign to our knowledge

NM_001127222.2(CACNA1A):c.2504_2506del (p.Thr835del)

Gene: CACNA1A (calcium voltage-gated channel subunit alpha1 A; minus strand). Cytogenetic location: 19p13.13.
Variant type: Deletion.
Coding change: c.2504_2506del on transcript NM_001127222.2 (MANE Select); coding-DNA positions 2504 to 2506, 3 bases deleted (CCA; older notation c.2504_2506delCCA).
Protein change: p.Thr835del; deletes threonine 835.
Molecular consequence: inframe deletion.
Genome position (GRCh38, 1-based): chr19:13,299,127-13,299,129, TGG deleted on the plus strand (CCA on the coding strand, the reverse complement: CACNA1A is on the minus strand); deleting any 3 consecutive bases within chr19:13,299,127-13,299,131 gives the same sequence; the c. name uses the placement nearest the transcript's 3' end. VCF-style (leftmost placement, unchanged base first): chr19-13299126-TTGG-T. GRCh37 (hg19) VCF-style: chr19-13409940-TTGG-T.
Other names: c.2516_2518del, p.Thr839del (NM_000068.4, NM_023035.3); c.2507_2509del, p.Thr836del (NM_001127221.2, NM_001174080.2); short protein forms T835del, T836del, T839del.
Identifiers: ClinVar variation 1204337 (VCV001204337.3), dbSNP rs2144957032, ClinGen allele CA2499225397.